The following is an entry in ClinVar:

ClinVar aggregate classification (germline): Likely benign. Review status: criteria provided, multiple submitters, no conflicts (2 of 4 stars). 3 submissions from 3 submitters: Likely benign (3). Last evaluated 2026-08-01.

Conditions:
Landau-Kleffner syndrome (FESD). Also called: EPILEPSY, FOCAL, WITH SPEECH DISORDER AND WITH OR WITHOUT MENTAL RETARDATION; APHASIA, ACQUIRED, WITH EPILEPSY. Identifiers: Orphanet 1945, Orphanet 725, Orphanet 98818, MedGen C0282512, MONDO:0009509, OMIM 245570.

Allele frequency attached by ClinVar (database versions not stated): TOPMed 0.00003.
gnomAD v4.1: 39 of 1,614,230 alleles (0.0024%); highest among the groups gnomAD compares: Admixed American, 0.053%; no homozygotes.

Submissions (3):

CeGaT Center for Human Genetics Tuebingen
Classification: Likely benign. Last evaluated: 2026-08-01. Review status: criteria provided, single submitter. Criteria: CeGaT Center For Human Genetics Tuebingen Variant Classification Criteria Version 2. Collection method: clinical testing. Allele origin: germline. Affected: yes. Observed: 1 variant allele.
Comment: GRIN2A: BP4, BP7

Labcorp Genetics (formerly Invitae), Labcorp
Classification: Likely benign for Landau-Kleffner syndrome. Last evaluated: 2025-11-17. Review status: criteria provided, single submitter. Criteria: Invitae Variant Classification Sherloc (09022015). Collection method: clinical testing. Allele origin: germline.

GeneDx
Classification: Likely benign. Last evaluated: 2020-09-15. Review status: criteria provided, single submitter. Criteria: GeneDx Variant Classification Process June 2021. Collection method: clinical testing. Allele origin: germline. Affected: yes.

NM_001134407.3(GRIN2A):c.288C>T (p.His96=)

Gene: GRIN2A (glutamate ionotropic receptor NMDA type subunit 2A; minus strand). Cytogenetic location: 16p13.2.
Variant type: single nucleotide variant.
Coding change: c.288C>T on transcript NM_001134407.3 (MANE Select); coding-DNA position 288, C replaced by T.
Protein change: p.His96=; no amino-acid change (histidine 96 retained).
Molecular consequence: synonymous variant.
Genome position (GRCh38, 1-based): chr16:10,180,124, G>A on the plus strand (C>T on the coding strand, the complement: GRIN2A is on the minus strand). VCF-style: chr16-10180124-G-A. GRCh37 (hg19) VCF-style: chr16-10273981-G-A.
Other names: c.288C>T, p.His96= (NM_000833.5, NM_001134408.2).
Identifiers: ClinVar variation 464055 (VCV000464055.15), dbSNP rs74853460, ClinGen allele CA7897007.